The following is an entry in ClinVar:

NM_001203.3(BMPR1B):c.1393C>T (p.Gln465Ter)

Gene: BMPR1B (bone morphogenetic protein receptor type 1B; plus strand). Cytogenetic location: 4q22.3.
Variant type: single nucleotide variant.
Coding change: c.1393C>T on transcript NM_001203.3 (MANE Select); coding-DNA position 1393, C replaced by T.
Protein change: p.Gln465Ter; replaces glutamine 465 with a stop codon.
Molecular consequence: nonsense.
Genome position (GRCh38, 1-based): chr4:95,154,557, C>T. VCF-style: chr4-95154557-C-T. GRCh37 (hg19) VCF-style: chr4-96075708-C-T.
Other names: c.1393C>T, p.Gln465Ter (NM_001256792.2, NM_001256794.1); c.1483C>T, p.Gln495Ter (NM_001256793.2); short protein forms Q465*, Q495*.
Identifiers: ClinVar variation 2954307 (VCV002954307.3), dbSNP rs2530356665, ClinGen allele CA357687921.

ClinVar aggregate classification (germline): Uncertain significance (1 of 4 stars; one submission).

Conditions:
Type A2 brachydactyly (BDA2). Also called: MOHR-WRIEDT TYPE BRACHYDACTYLY; Brachymesophalangy type 2; BRACHYMESOPHALANGY II. Identifiers: Orphanet 93396, MedGen C1832702, MONDO:0007216, OMIM 112600, HP:0009372.
Acromesomelic dysplasia 3 (AMD3). Also called: CHONDRODYSPLASIA, ACROMESOMELIC, WITH OR WITHOUT GENITAL ANOMALIES; Acromesomelic dysplasia, Demirhan type. Identifiers: MedGen C4225404, MONDO:0012274, OMIM 609441.

Submission:

Labcorp Genetics (formerly Invitae), Labcorp
Classification: Uncertain significance for Type A2 brachydactyly; Acromesomelic dysplasia 3. Last evaluated: 2023-12-07. Review status: criteria provided, single submitter. Criteria: Invitae Variant Classification Sherloc (09022015). Collection method: clinical testing. Allele origin: germline.
Comment: This sequence change creates a premature translational stop signal (p.Gln465*) in the BMPR1B gene. While this is not anticipated to result in nonsense mediated decay, it is expected to disrupt the last 38 amino acid(s) of the BMPR1B protein. This variant is not present in population databases (gnomAD no frequency). This variant has not been reported in the literature in individuals affected with BMPR1B-related conditions. Experimental studies and prediction algorithms are not available or were not evaluated, and the functional significance of this variant is currently unknown. In summary, the available evidence is currently insufficient to determine the role of this variant in disease. Therefore, it has been classified as a Variant of Uncertain Significance.